The following is an entry in ClinVar:

NM_001199138.2(NLRC4):c.2774G>C (p.Arg925Thr)

Gene: NLRC4 (NLR family CARD domain containing 4; minus strand). Cytogenetic location: 2p22.3.
Variant type: single nucleotide variant.
Coding change: c.2774G>C on transcript NM_001199138.2 (MANE Select); coding-DNA position 2774, G replaced by C.
Protein change: p.Arg925Thr; replaces arginine 925 with threonine.
Molecular consequence: missense variant.
Genome position (GRCh38, 1-based): chr2:32,235,409, C>G on the plus strand (G>C on the coding strand, the complement: NLRC4 is on the minus strand). VCF-style: chr2-32235409-C-G. GRCh37 (hg19) VCF-style: chr2-32460478-C-G.
Other names: c.2774G>C, p.Arg925Thr (NM_001199139.2, NM_021209.5); c.779G>C, p.Arg260Thr (NM_001302504.2); short protein forms R260T, R925T.
Identifiers: ClinVar variation 3754662 (VCV003754662.2).

ClinVar aggregate classification (germline): Uncertain significance (1 of 4 stars; one submission).

Conditions:
Periodic fever-infantile enterocolitis-autoinflammatory syndrome. Also called: Autoinflammation with infantile enterocolitis. Identifiers: Orphanet 436166, MedGen C4015067, MONDO:0014472, OMIM 616050.
Familial cold autoinflammatory syndrome 4 (FCAS4). Identifiers: Orphanet 47045, Orphanet 576349, MedGen C4015276, MONDO:0014498, OMIM 616115.

Submission:

Labcorp Genetics (formerly Invitae), Labcorp
Classification: Uncertain significance for Periodic fever-infantile enterocolitis-autoinflammatory syndrome; Familial cold autoinflammatory syndrome 4. Last evaluated: 2024-02-14. Review status: criteria provided, single submitter. Criteria: Invitae Variant Classification Sherloc (09022015). Collection method: clinical testing. Allele origin: germline.
Comment: This sequence change replaces arginine, which is basic and polar, with threonine, which is neutral and polar, at codon 925 of the NLRC4 protein (p.Arg925Thr). This variant is not present in population databases (gnomAD no frequency). This variant has not been reported in the literature in individuals affected with NLRC4-related conditions. Advanced modeling of protein sequence and biophysical properties (such as structural, functional, and spatial information, amino acid conservation, physicochemical variation, residue mobility, and thermodynamic stability) performed at Invitae indicates that this missense variant is not expected to disrupt NLRC4 protein function with a negative predictive value of 80%. In summary, the available evidence is currently insufficient to determine the role of this variant in disease. Therefore, it has been classified as a Variant of Uncertain Significance.